The following is an entry in ClinVar:

ClinVar aggregate classification (germline): Uncertain significance. Review status: criteria provided, multiple submitters, no conflicts (2 of 4 stars). 2 submissions from 2 submitters: Uncertain significance (2). Last evaluated 2025-09-27.

Conditions:
Cardiovascular phenotype. Identifiers: MedGen CN230736.

Allele frequency attached by ClinVar (database versions not stated): ExAC 0.00001; gnomAD 0.00001; TOPMed 0.00004.
gnomAD v4.1: 3 of 1,611,342 alleles (0.00019%); highest among the groups gnomAD compares: African/African-American, 0.0027%; no homozygotes.

Submissions (2):

Labcorp Genetics (formerly Invitae), Labcorp
Classification: Uncertain significance. Last evaluated: 2025-09-27. Review status: criteria provided, single submitter. Criteria: Invitae Variant Classification Sherloc (09022015). Collection method: clinical testing. Allele origin: germline.
Comment: This sequence change replaces alanine, which is neutral and non-polar, with threonine, which is neutral and polar, at codon 1260 of the ALPK3 protein (p.Ala1260Thr). This variant is not present in population databases (gnomAD no frequency). This variant has not been reported in the literature in individuals affected with ALPK3-related conditions. ClinVar contains an entry for this variant (Variation ID: 1734812). Invitae Evidence Modeling of protein sequence and biophysical properties (such as structural, functional, and spatial information, amino acid conservation, physicochemical variation, residue mobility, and thermodynamic stability) indicates that this missense variant is not expected to disrupt ALPK3 protein function with a negative predictive value of 80%. In summary, the available evidence is currently insufficient to determine the role of this variant in disease. Therefore, it has been classified as a Variant of Uncertain Significance.

Ambry Genetics
Classification: Uncertain significance for Cardiovascular phenotype. Last evaluated: 2024-03-20. Review status: criteria provided, single submitter. Criteria: Ambry Variant Classification Scheme 2023. Collection method: clinical testing. Allele origin: germline.

NM_020778.5(ALPK3):c.3172G>A (p.Ala1058Thr)

Gene: ALPK3 (alpha kinase 3; plus strand). Cytogenetic location: 15q25.3.
Variant type: single nucleotide variant.
Coding change: c.3172G>A on transcript NM_020778.5 (MANE Select); coding-DNA position 3172, G replaced by A.
Protein change: p.Ala1058Thr; replaces alanine 1058 with threonine.
Molecular consequence: missense variant.
Genome position (GRCh38, 1-based): chr15:84,857,910, G>A. VCF-style: chr15-84857910-G-A. GRCh37 (hg19) VCF-style: chr15-85401141-G-A.
Other names: short protein forms A1058T.
Identifiers: ClinVar variation 1734812 (VCV001734812.8), dbSNP rs780153925, ClinGen allele CA7709569.
Genomic context (GRCh38, chr15:84,857,910, plus strand): 5'-CGCCGCCTCACCGGCCTCCTGGACCGTGAGGTGCAGGCTGGCCGCCAGGCCCTTGCTGCT[G>A]CCCGAGGCTCCTGGGGTCCTGGTCCCAGCTCCCTCACTGTCCCTGCCATTGTGGTAGACG-3'
Protein context (NP_065829.4, residues 1048-1068): VQAGRQALAA[Ala1058Thr]RGSWGPGPSS